The following is an entry in ClinVar:

NM_001040108.2(MLH3):c.4066G>A (p.Val1356Met)

Gene: MLH3 (mutL homolog 3; minus strand). Cytogenetic location: 14q24.3.
Variant type: single nucleotide variant.
Coding change: c.4066G>A on transcript NM_001040108.2 (MANE Select); coding-DNA position 4066, G replaced by A.
Protein change: p.Val1356Met; replaces valine 1356 with methionine.
Molecular consequence: missense variant.
Genome position (GRCh38, 1-based): chr14:75,022,838, C>T on the plus strand (G>A on the coding strand, the complement: MLH3 is on the minus strand). VCF-style: chr14-75022838-C-T. GRCh37 (hg19) VCF-style: chr14-75489541-C-T.
Other names: c.3994G>A, p.Val1332Met (NM_014381.3); short protein forms V1356M, V1332M.
Identifiers: ClinVar variation 1737505 (VCV001737505.2), dbSNP rs1890378171, ClinGen allele CA390420713.

ClinVar aggregate classification (germline): Uncertain significance (1 of 4 stars; one submission).

Allele frequency attached by ClinVar (database versions not stated): TOPMed 0.00001.

Submission:

Ambry Genetics
Classification: Uncertain significance. Last evaluated: 2023-12-11. Review status: criteria provided, single submitter. Criteria: Ambry Variant Classification Scheme 2023. Collection method: clinical testing. Allele origin: germline.
Comment: The p.V1356M variant (also known as c.4066G>A), located in coding exon 10 of the MLH3 gene, results from a G to A substitution at nucleotide position 4066. The valine at codon 1356 is replaced by methionine, an amino acid with highly similar properties. This amino acid position is highly conserved in available vertebrate species. In addition, the in silico prediction for this alteration is inconclusive. Since supporting evidence is limited at this time, the clinical significance of this alteration remains unclear.